The following is an entry in ClinVar:

ClinVar aggregate classification (germline): Pathogenic. Review status: criteria provided, multiple submitters, no conflicts (2 of 4 stars). 4 submissions from 4 submitters: Pathogenic (3). 1 of the submissions does not count toward it. Last evaluated 2025-10-19.

Conditions:
Hereditary cancer-predisposing syndrome. Also called: Tumor predisposition; Hereditary neoplastic syndrome; Neoplastic Syndromes, Hereditary; Hereditary Cancer Syndrome. Identifiers: Orphanet 140162, MedGen C0027672, MeSH D009386, MONDO:0015356.
Familial cancer of breast. Also called: hereditary breast carcinoma; Hereditary breast cancer; BREAST CANCER, FAMILIAL. Identifiers: Orphanet 227535, MedGen C0346153, MONDO:0016419, OMIM 114480. Disease mechanism: loss of function.
Ataxia-telangiectasia syndrome (AT). Also called: Ataxia-telangiectasia, complementation group E; AT, COMPLEMENTATION GROUP C; ATAXIA-TELANGIECTASIA, COMPLEMENTATION GROUP A; ATAXIA-TELANGIECTASIA, FRESNO VARIANT; Ataxia-telangiectasia; LOUIS-BAR SYNDROME. Identifiers: Orphanet 100, MedGen C0004135, MONDO:0008840, OMIM 208900.

Allele frequency attached by ClinVar (database versions not stated): TOPMed 0.00001.

Submissions (4):

Labcorp Genetics (formerly Invitae), Labcorp
Classification: Pathogenic for Ataxia-telangiectasia syndrome. Last evaluated: 2025-10-19. Review status: criteria provided, single submitter. Criteria: Invitae Variant Classification Sherloc (09022015). Collection method: clinical testing. Allele origin: germline.
Comment: This sequence change creates a premature translational stop signal (p.Glu1530*) in the ATM gene. It is expected to result in an absent or disrupted protein product. Loss-of-function variants in ATM are known to be pathogenic (PMID: 23807571, 25614872). This variant is not present in population databases (gnomAD no frequency). This premature translational stop signal has been observed in individual(s) with ataxia-telangiectasia (PMID: 16189143). ClinVar contains an entry for this variant (Variation ID: 220328). Algorithms developed to predict the effect of sequence changes on RNA splicing suggest that this variant may disrupt the consensus splice site. For these reasons, this variant has been classified as Pathogenic.

Ambry Genetics
Classification: Pathogenic for Hereditary cancer-predisposing syndrome. Last evaluated: 2024-08-23. Review status: criteria provided, single submitter. Criteria: Ambry Variant Classification Scheme 2023. Collection method: clinical testing. Allele origin: germline.
Comment: The p.E1530* pathogenic mutation (also known as c.4588G>T), located in coding exon 29 of the ATM gene, results from a G to T substitution at nucleotide position 4588. This changes the amino acid from a glutamic acid to a stop codon within coding exon 29. This alteration was identified in at least one individual with a clinical diagnosis of ataxia telangiectasia (Taylor AM et al. J. Clin. Pathol. 2005 Oct;58:1009-15). In addition to the clinical data presented in the literature, this alteration is expected to result in loss of function by premature protein truncation or nonsense-mediated mRNA decay. As such, this alteration is interpreted as a disease-causing mutation.

Myriad Genetics, Inc.
Classification: Pathogenic for Familial cancer of breast. Last evaluated: 2024-01-24. Review status: criteria provided, single submitter. Criteria: Myriad Autosomal Dominant, Autosomal Recessive and X-Linked Classification Criteria (2023). Collection method: clinical testing. Allele origin: unknown.
Comment: This variant is considered pathogenic. This variant creates a termination codon and is predicted to result in premature protein truncation.

Counsyl
Classification: Likely pathogenic for Ataxia-telangiectasia syndrome. Last evaluated: 2017-06-14. Review status: no assertion criteria provided. Collection method: clinical testing. Allele origin: unknown. Not counted in ClinVar's aggregate classification.

Literature cited by the submitters: PubMed 23807571 (cited by Labcorp Genetics (formerly Invitae), Labcorp); PubMed 25614872 (cited by Labcorp Genetics (formerly Invitae), Labcorp); PubMed 16189143 (cited by 3 submitters).

NM_000051.4(ATM):c.4588G>T (p.Glu1530Ter)

Gene: ATM (ATM serine/threonine kinase; plus strand). Cytogenetic location: 11q22.3.
Variant type: single nucleotide variant.
Coding change: c.4588G>T on transcript NM_000051.4 (MANE Select); coding-DNA position 4588, G replaced by T.
Protein change: p.Glu1530Ter; replaces glutamic acid 1530 with a stop codon.
Molecular consequence: nonsense.
Genome position (GRCh38, 1-based): chr11:108,292,770, G>T. VCF-style: chr11-108292770-G-T. GRCh37 (hg19) VCF-style: chr11-108163497-G-T.
Other names: c.4588G>T, p.Glu1530Ter (NM_001351834.2); short protein forms E1530*.
Identifiers: ClinVar variation 220328 (VCV000220328.15), dbSNP rs864622479, ClinGen allele CA349160.